The following is an entry in ClinVar:

NM_006005.3(WFS1):c.1177G>A (p.Ala393Thr)

Gene: WFS1 (wolframin ER transmembrane glycoprotein; plus strand). Cytogenetic location: 4p16.1.
Variant type: single nucleotide variant.
Coding change: c.1177G>A on transcript NM_006005.3 (MANE Select); coding-DNA position 1177, G replaced by A.
Protein change: p.Ala393Thr; replaces alanine 393 with threonine.
Molecular consequence: missense variant.
Genome position (GRCh38, 1-based): chr4:6,300,972, G>A. VCF-style: chr4-6300972-G-A. GRCh37 (hg19) VCF-style: chr4-6302699-G-A.
Other names: c.1177G>A, p.Ala393Thr (NM_001145853.1); short protein forms A393T.
Identifiers: ClinVar variation 1979339 (VCV001979339.4), dbSNP rs1578609111, ClinGen allele CA356174402.
Genomic context (GRCh38, chr4:6,300,972, plus strand): 5'-AACTTCCGCACCCTCACCGACCTGCTGCTGCGCTTCGAGCCCAACCTGGATGTGGAGCAG[G>A]CCGAGGTCAACTTCGGCTGGAACCACCTGGAGCCCTATGCCCATTTCCTGCTCTCTGTCT-3'
Protein context (NP_005996.2, residues 383-403): RFEPNLDVEQ[Ala393Thr]EVNFGWNHLE

ClinVar aggregate classification (germline): Uncertain significance (1 of 4 stars; one submission).

Submission:

Labcorp Genetics (formerly Invitae), Labcorp
Classification: Uncertain significance. Last evaluated: 2022-04-26. Review status: criteria provided, single submitter. Criteria: Invitae Variant Classification Sherloc (09022015). Collection method: clinical testing. Allele origin: germline.
Comment: This sequence change replaces alanine, which is neutral and non-polar, with threonine, which is neutral and polar, at codon 393 of the WFS1 protein (p.Ala393Thr). This variant is not present in population databases (gnomAD no frequency). In summary, the available evidence is currently insufficient to determine the role of this variant in disease. Therefore, it has been classified as a Variant of Uncertain Significance. Algorithms developed to predict the effect of missense changes on protein structure and function are either unavailable or do not agree on the potential impact of this missense change (SIFT: "Deleterious"; PolyPhen-2: "Possibly Damaging"; Align-GVGD: "Class C0"). This variant has not been reported in the literature in individuals affected with WFS1-related conditions.